The following is an entry in ClinVar:

NM_024426.6(WT1):c.1351A>T (p.Thr451Ser)

Gene: WT1 (WT1 transcription factor; minus strand). Cytogenetic location: 11p13.
Variant type: single nucleotide variant.
Coding change: c.1351A>T on transcript NM_024426.6 (MANE Select); coding-DNA position 1351, A replaced by T.
Protein change: p.Thr451Ser; replaces threonine 451 with serine.
Molecular consequence: missense variant. On other transcripts: non-coding transcript variant (1).
Genome position (GRCh38, 1-based): chr11:32,392,669, T>A on the plus strand (A>T on the coding strand, the complement: WT1 is on the minus strand). VCF-style: chr11-32392669-T-A. GRCh37 (hg19) VCF-style: chr11-32414215-T-A.
Other names: c.1300A>T, p.Thr434Ser (NM_000378.6, NM_001407045.1, NM_001407049.1); c.700A>T, p.Thr234Ser (NM_001198551.2); c.649A>T, p.Thr217Ser (NM_001198552.2); c.163A>T, p.Thr55Ser (NM_001367854.1); c.1345A>T, p.Thr449Ser (NM_001407044.1); c.1351A>T, p.Thr451Ser (NM_001407046.1, NM_024424.5); c.1228A>T, p.Thr410Ser (NM_001407047.1); c.1177A>T, p.Thr393Ser (NM_001407050.1); and 2 more; short protein forms T234S, T446S, T55S, T217S, T393S, T410S, T197S, T429S.
Identifiers: ClinVar variation 2122486 (VCV002122486.4), dbSNP rs1554939189, ClinGen allele CA379959114.

ClinVar aggregate classification (germline): Uncertain significance (1 of 4 stars; one submission).

Conditions:
Drash syndrome (DDS). Also called: NEPHROPATHY, WILMS TUMOR, AND GENITAL ANOMALIES; WILMS TUMOR AND PSEUDO- OR TRUE HERMAPHRODITISM. Identifiers: Orphanet 220, MedGen C0950121, MONDO:0008682, OMIM 194080.
Frasier syndrome. Identifiers: Orphanet 347, MedGen C0950122, MeSH D052159, MONDO:0007635, OMIM 136680.
Wilms tumor 1 (WT1). Also called: Wilms tumor, somatic. Identifiers: Orphanet 654, MedGen CN033288, MONDO:0008679, OMIM 194070.
11p partial monosomy syndrome (WAGR). Also called: CHROMOSOME 11p13 DELETION SYNDROME; WAGR syndrome; WAGR Spectrum Disorder; WAGR Complex. Identifiers: Orphanet 893, MedGen C0206115, MONDO:0008681, OMIM 194072.

Submission:

Labcorp Genetics (formerly Invitae), Labcorp
Classification: Uncertain significance for Wilms tumor 1; Drash syndrome; 11p partial monosomy syndrome; Frasier syndrome. Last evaluated: 2022-04-07. Review status: criteria provided, single submitter. Criteria: Invitae Variant Classification Sherloc (09022015). Collection method: clinical testing. Allele origin: germline.
Comment: In summary, the available evidence is currently insufficient to determine the role of this variant in disease. Therefore, it has been classified as a Variant of Uncertain Significance. This sequence change replaces threonine, which is neutral and polar, with serine, which is neutral and polar, at codon 446 of the WT1 protein (p.Thr446Ser). This variant is not present in population databases (gnomAD no frequency). This variant has not been reported in the literature in individuals affected with WT1-related conditions. Algorithms developed to predict the effect of missense changes on protein structure and function (SIFT, PolyPhen-2, Align-GVGD) all suggest that this variant is likely to be disruptive.